The following is an entry in ClinVar:

NM_153676.4(USH1C):c.2218T>C (p.Tyr740His)

Gene: USH1C (USH1 protein network component harmonin; minus strand). Cytogenetic location: 11p15.1.
Variant type: single nucleotide variant.
Coding change: c.2218T>C on transcript NM_153676.4 (MANE Select); coding-DNA position 2218, T replaced by C.
Protein change: p.Tyr740His; replaces tyrosine 740 with histidine.
Molecular consequence: missense variant. On other transcripts: non-coding transcript variant (1), intron variant (1).
Genome position (GRCh38, 1-based): chr11:17,501,947, A>G on the plus strand (T>C on the coding strand, the complement: USH1C is on the minus strand). VCF-style: chr11-17501947-A-G. GRCh37 (hg19) VCF-style: chr11-17523494-A-G.
Other names: c.1261T>C, p.Tyr421His (NM_001297764.2); c.1504T>C, p.Tyr502His (NM_001440679.1); c.1471T>C, p.Tyr491His (NM_001440680.1); c.1447T>C, p.Tyr483His (NM_001440681.1); c.1318T>C, p.Tyr440His (NM_001440682.1, NM_001440685.1, NM_005709.4); c.1369T>C, p.Tyr457His (NM_001440683.1); c.1351T>C, p.Tyr451His (NM_001440684.1); c.1294T>C, p.Tyr432His (NM_001440686.1); and 1 more; short protein forms Y421H, Y432H, Y440H, Y451H, Y457H, Y483H, Y491H, Y502H.
Identifiers: ClinVar variation 4680956 (VCV004680956.1).

ClinVar aggregate classification (germline): Uncertain significance (1 of 4 stars; one submission).

Submission:

GeneDx
Classification: Uncertain significance. Last evaluated: 2025-07-01. Review status: criteria provided, single submitter. Criteria: GeneDx Variant Classification Process June 2021. Collection method: clinical testing. Allele origin: germline. Affected: yes.
Comment: Not observed at significant frequency in large population cohorts (gnomAD); In silico analysis suggests that this missense variant does not alter protein structure/function; Has not been previously published as pathogenic or benign to our knowledge